The following is an entry in ClinVar:

NM_033198.4(PIGS):c.1467C>T (p.Val489=)

Gene: PIGS (phosphatidylinositol glycan anchor biosynthesis class S; minus strand). Cytogenetic location: 17q11.2.
Variant type: single nucleotide variant.
Coding change: c.1467C>T on transcript NM_033198.4 (MANE Select); coding-DNA position 1467, C replaced by T.
Protein change: p.Val489=; no amino-acid change (valine 489 retained).
Molecular consequence: synonymous variant.
Genome position (GRCh38, 1-based): chr17:28,554,421, G>A on the plus strand (C>T on the coding strand, the complement: PIGS is on the minus strand). VCF-style: chr17-28554421-G-A. GRCh37 (hg19) VCF-style: chr17-26881439-G-A.
Identifiers: ClinVar variation 2647582 (VCV002647582.24), dbSNP rs764250414, ClinGen allele CA8459972.

ClinVar aggregate classification (germline): Likely benign (1 of 4 stars; one submission).

Allele frequency attached by ClinVar (database versions not stated): gnomAD exomes below 0.00001; ExAC 0.00001; gnomAD 0.00003; TOPMed 0.00003.
gnomAD v4.1: 11 of 1,614,028 alleles (0.00068%); highest among the groups gnomAD compares: Admixed American, 0.01%; no homozygotes.

Submission:

CeGaT Center for Human Genetics Tuebingen
Classification: Likely benign. Last evaluated: 2023-05-01. Review status: criteria provided, single submitter. Criteria: CeGaT Center For Human Genetics Tuebingen Variant Classification Criteria Version 2. Collection method: clinical testing. Allele origin: germline. Affected: yes. Observed: 1 variant allele.
Comment: PIGS: BP4, BP7